The following is an entry in ClinVar:

NM_007194.4(CHEK2):c.426del (p.Lys142fs)

Gene: CHEK2 (checkpoint kinase 2; minus strand). Cytogenetic location: 22q12.1.
Variant type: Deletion.
Coding change: c.426del on transcript NM_007194.4 (MANE Select); coding-DNA position 426, one base deleted (A; older notation c.426delA).
Protein change: p.Lys142fs; shifts the reading frame from lysine 142.
Molecular consequence: frameshift variant.
Genome position (GRCh38, 1-based): chr22:28,725,261, T deleted on the plus strand (A on the coding strand, the reverse complement: CHEK2 is on the minus strand); the first of 3 consecutive T bases (chr22:28,725,261-28,725,263); deleting any one gives the same sequence. VCF-style (leftmost placement, unchanged base first): chr22-28725260-GT-G. GRCh37 (hg19) VCF-style: chr22-29121248-GT-G.
Other names: c.-354delA (NM_001257387.3); c.424delA, p.Lys142Asnfs (NM_001349956.3, NM_145862.3); c.553delA, p.Lys185Asnfs (NM_001005735.3); short protein forms K142fs, K185fs.
Identifiers: ClinVar variation 4071435 (VCV004071435.1).

ClinVar aggregate classification (germline): Pathogenic (1 of 4 stars; one submission).

Conditions:
Familial cancer of breast. Also called: hereditary breast carcinoma; BREAST CANCER, FAMILIAL; Hereditary breast cancer. Identifiers: Orphanet 227535, MedGen C0346153, MONDO:0016419, OMIM 114480. Disease mechanism: loss of function.

Submission:

Myriad Genetics, Inc.
Classification: Pathogenic for Familial cancer of breast. Last evaluated: 2025-06-11. Review status: criteria provided, single submitter. Criteria: Myriad Autosomal Dominant, Autosomal Recessive and X-Linked Classification Criteria (2023). Collection method: clinical testing. Allele origin: unknown.
Comment: This variant is considered pathogenic. This variant creates a frameshift predicted to result in premature protein truncation.